The following is an entry in ClinVar:

ClinVar aggregate classification (germline): Uncertain significance (1 of 4 stars; one submission).

Allele frequency attached by ClinVar (database versions not stated): TOPMed below 0.00001; gnomAD 0.00001; gnomAD exomes 0.00001.

Submission:

Labcorp Genetics (formerly Invitae), Labcorp
Classification: Uncertain significance. Last evaluated: 2025-04-20. Review status: criteria provided, single submitter. Criteria: Invitae Variant Classification Sherloc (09022015). Collection method: clinical testing. Allele origin: germline.
Comment: This sequence change replaces arginine, which is basic and polar, with histidine, which is basic and polar, at codon 241 of the FOXI3 protein (p.Arg241His). This variant is present in population databases (no rsID available, gnomAD 0.002%). This variant has not been reported in the literature in individuals affected with FOXI3-related conditions. ClinVar contains an entry for this variant (Variation ID: 1502719). Experimental studies and prediction algorithms are not available or were not evaluated, and the functional significance of this variant is currently unknown. In summary, the available evidence is currently insufficient to determine the role of this variant in disease. Therefore, it has been classified as a Variant of Uncertain Significance.

NM_001135649.3(FOXI3):c.722G>A (p.Arg241His)

Gene: FOXI3 (forkhead box I3; minus strand). Cytogenetic location: 2p11.2.
Variant type: single nucleotide variant.
Coding change: c.722G>A on transcript NM_001135649.3 (MANE Select); coding-DNA position 722, G replaced by A.
Protein change: p.Arg241His; replaces arginine 241 with histidine.
Molecular consequence: missense variant.
Genome position (GRCh38, 1-based): chr2:88,448,748, C>T on the plus strand (G>A on the coding strand, the complement: FOXI3 is on the minus strand). VCF-style: chr2-88448748-C-T. GRCh37 (hg19) VCF-style: chr2-88748267-C-T.
Other names: short protein forms R241H.
Identifiers: ClinVar variation 1502719 (VCV001502719.6), dbSNP rs1427389100, ClinGen allele CA347765411.